The following is an entry in ClinVar:

ClinVar aggregate classification (germline): Uncertain significance (1 of 4 stars; one submission).

Conditions:
Cardiovascular phenotype. Identifiers: MedGen CN230736.

gnomAD v4.1: 3 of 1,613,780 alleles (0.00019%); highest among the groups gnomAD compares: African/African-American, 0.004%; no homozygotes.

Submission:

Ambry Genetics
Classification: Uncertain significance for Cardiovascular phenotype. Last evaluated: 2025-05-03. Review status: criteria provided, single submitter. Criteria: Ambry Variant Classification Scheme 2023. Collection method: clinical testing. Allele origin: germline.
Comment: The p.K2050E variant (also known as c.6148A>G), located in coding exon 16 of the TNXB gene, results from an A to G substitution at nucleotide position 6148. The lysine at codon 2050 is replaced by glutamic acid, an amino acid with similar properties. This amino acid position is conserved. In addition, this alteration is predicted to be tolerated by in silico analysis. Based on the available evidence, the clinical significance of this variant remains unclear.

NM_001365276.2(TNXB):c.6148A>G (p.Lys2050Glu)

Gene: TNXB (tenascin XB; minus strand). Cytogenetic location: 6p21.33.
Variant type: single nucleotide variant.
Coding change: c.6148A>G on transcript NM_001365276.2 (MANE Select); coding-DNA position 6148, A replaced by G.
Protein change: p.Lys2050Glu; replaces lysine 2050 with glutamic acid.
Molecular consequence: missense variant.
Genome position (GRCh38, 1-based): chr6:32,068,462, T>C on the plus strand (A>G on the coding strand, the complement: TNXB is on the minus strand). VCF-style: chr6-32068462-T-C. GRCh37 (hg19) VCF-style: chr6-32036239-T-C.
Other names: c.6889A>G, p.Lys2297Glu (NM_001428335.1); c.6148A>G, p.Lys2050Glu (NM_019105.8); short protein forms K2050E, K2297E.
Identifiers: ClinVar variation 3972014 (VCV003972014.1).